The following is an entry in ClinVar:

ClinVar aggregate classification (germline): Uncertain significance. Review status: criteria provided, multiple submitters, no conflicts (2 of 4 stars). 2 submissions from 2 submitters: Uncertain significance (2). Last evaluated 2023-11-28.

Conditions:
Immunodeficiency 51 (IMD51). Also called: CANDIDIASIS, FAMILIAL, 5. Identifiers: Orphanet 1334, MedGen C4310803, MONDO:0013500, OMIM 613953.

Allele frequency attached by ClinVar (database versions not stated): gnomAD exomes below 0.00001; gnomAD 0.00001; TOPMed 0.00001.

Submissions (2):

Labcorp Genetics (formerly Invitae), Labcorp
Classification: Uncertain significance for Immunodeficiency 51. Last evaluated: 2023-11-28. Review status: criteria provided, single submitter. Criteria: Invitae Variant Classification Sherloc (09022015). Collection method: clinical testing. Allele origin: germline.
Comment: This sequence change replaces proline, which is neutral and non-polar, with arginine, which is basic and polar, at codon 599 of the IL17RA protein (p.Pro599Arg). This variant is present in population databases (rs375160919, gnomAD 0.005%). This variant has not been reported in the literature in individuals affected with IL17RA-related conditions. ClinVar contains an entry for this variant (Variation ID: 1432217). Advanced modeling of protein sequence and biophysical properties (such as structural, functional, and spatial information, amino acid conservation, physicochemical variation, residue mobility, and thermodynamic stability) performed at Invitae indicates that this missense variant is expected to disrupt IL17RA protein function with a positive predictive value of 80%. In summary, the available evidence is currently insufficient to determine the role of this variant in disease. Therefore, it has been classified as a Variant of Uncertain Significance.

Ambry Genetics
Classification: Uncertain significance. Last evaluated: 2023-08-20. Review status: criteria provided, single submitter. Criteria: Ambry Variant Classification Scheme 2023. Collection method: clinical testing. Allele origin: germline.

NM_014339.7(IL17RA):c.1796C>G (p.Pro599Arg)

Gene: IL17RA (interleukin 17 receptor A; plus strand). Cytogenetic location: 22q11.1.
Variant type: single nucleotide variant.
Coding change: c.1796C>G on transcript NM_014339.7 (MANE Select); coding-DNA position 1796, C replaced by G.
Protein change: p.Pro599Arg; replaces proline 599 with arginine.
Molecular consequence: missense variant.
Genome position (GRCh38, 1-based): chr22:17,109,015, C>G. VCF-style: chr22-17109015-C-G. GRCh37 (hg19) VCF-style: chr22-17589905-C-G.
Other names: c.1694C>G, p.Pro565Arg (NM_001289905.2); c.1796C>G (NM_014339.5); short protein forms P599R, P565R.
Identifiers: ClinVar variation 1432217 (VCV001432217.6), dbSNP rs375160919, ClinGen allele CA321152919.